The following is an entry in ClinVar:

ClinVar aggregate classification (germline): Uncertain significance (1 of 4 stars; one submission).

Allele frequency attached by ClinVar (database versions not stated): gnomAD exomes below 0.00001.
gnomAD v4.1: 4 of 1,606,876 alleles (0.00025%); highest among the groups gnomAD compares: Non-Finnish European, 0.00025%; no homozygotes.

Submission:

Labcorp Genetics (formerly Invitae), Labcorp
Classification: Uncertain significance. Last evaluated: 2024-04-29. Review status: criteria provided, single submitter. Criteria: Invitae Variant Classification Sherloc (09022015). Collection method: clinical testing. Allele origin: germline.
Comment: This sequence change replaces glycine, which is neutral and non-polar, with arginine, which is basic and polar, at codon 6 of the PAX3 protein (p.Gly6Arg). This variant is not present in population databases (gnomAD no frequency). This variant has not been reported in the literature in individuals affected with PAX3-related conditions. An algorithm developed to predict the effect of missense changes on protein structure and function (PolyPhen-2) suggests that this variant is likely to be disruptive. In summary, the available evidence is currently insufficient to determine the role of this variant in disease. Therefore, it has been classified as a Variant of Uncertain Significance.

NM_181458.4(PAX3):c.16G>C (p.Gly6Arg)

Genes: CCDC140 (CCDC140 long non-coding RNA; plus strand), PAX3 (paired box 3; minus strand), LOC107980445 (PAX3 promoter region; plus strand). Cytogenetic location: 2q36.1.
Variant type: single nucleotide variant.
Coding change: c.16G>C on transcript NM_181458.4 (MANE Select); coding-DNA position 16, G replaced by C.
Protein change: p.Gly6Arg; replaces glycine 6 with arginine.
Molecular consequence: missense variant.
Genome position (GRCh38, 1-based): chr2:222,298,600, C>G on the plus strand (G>C on the coding strand, the complement: PAX3 is on the minus strand). VCF-style: chr2-222298600-C-G. GRCh37 (hg19) VCF-style: chr2-223163319-C-G.
Other names: c.16G>C, p.Gly6Arg (NM_000438.6, NM_001127366.3, NM_013942.5 and 4 more transcripts); short protein forms G6R.
Identifiers: ClinVar variation 2700189 (VCV002700189.3), dbSNP rs1414840887, ClinGen allele CA351114004.